The following is an entry in ClinVar:

NM_018297.4(NGLY1):c.1214T>C (p.Val405Ala)

Gene: NGLY1 (N-glycanase 1; minus strand). Cytogenetic location: 3p24.2.
Variant type: single nucleotide variant.
Coding change: c.1214T>C on transcript NM_018297.4 (MANE Select); coding-DNA position 1214, T replaced by C.
Protein change: p.Val405Ala; replaces valine 405 with alanine.
Molecular consequence: missense variant.
Genome position (GRCh38, 1-based): chr3:25,733,918, A>G on the plus strand (T>C on the coding strand, the complement: NGLY1 is on the minus strand). VCF-style: chr3-25733918-A-G. GRCh37 (hg19) VCF-style: chr3-25775409-A-G.
Other names: c.1160T>C, p.Val387Ala (NM_001145293.2); c.1088T>C, p.Val363Ala (NM_001145294.2); c.1214T>C, p.Val405Ala (NM_001145295.2); short protein forms V363A, V387A, V405A.
Identifiers: ClinVar variation 1254414 (VCV001254414.2), dbSNP rs1474736365, ClinGen allele CA351899949.
Genomic context (GRCh38, chr3:25,733,918, plus strand): 5'-TAGCCACACCATACCTGCTTATTAAGCCCATTAATAGTGTCTCGAAGTAATGCTTCTTTA[A>G]CCTTAGTTCTTCTGGCAATCACCTCTTCATGTTTGCAGGAATATCGCCAAGTGACATCAA-3'
Protein context (NP_060767.2, residues 395-415): HEEVIARRTK[Val405Ala]KEALLRDTIN

ClinVar aggregate classification (germline): Uncertain significance (1 of 4 stars; one submission).

Allele frequency attached by ClinVar (database versions not stated): gnomAD exomes 0.00001; TOPMed 0.00001; gnomAD 0.00001.
gnomAD v4.1: 12 of 1,613,738 alleles (0.00074%); highest among the groups gnomAD compares: Non-Finnish European, 0.001%; no homozygotes.

Submission:

GeneDx
Classification: Uncertain significance. Last evaluated: 2021-09-02. Review status: criteria provided, single submitter. Criteria: GeneDx Variant Classification Process June 2021. Collection method: clinical testing. Allele origin: germline. Affected: yes.
Comment: Not observed in large population cohorts (Lek et al., 2016); In silico analysis, which includes protein predictors and evolutionary conservation, supports that this variant does not alter protein structure/function; Has not been previously published as pathogenic or benign to our knowledge